The following is an entry in ClinVar:

ClinVar aggregate classification (germline): Uncertain significance. Review status: criteria provided, multiple submitters, no conflicts (2 of 4 stars). 2 submissions from 2 submitters: Uncertain significance (2). Last evaluated 2025-05-17.

Conditions:
Cardiovascular phenotype. Identifiers: MedGen CN230736.
Hereditary cancer-predisposing syndrome. Also called: Hereditary neoplastic syndrome; Hereditary Cancer Syndrome; Tumor predisposition; Neoplastic Syndromes, Hereditary. Identifiers: Orphanet 140162, MedGen C0027672, MeSH D009386, MONDO:0015356.
Neurofibromatosis, type 1 (NF1). Also called: Neurofibromatosis, type I; Peripheral type neurofibromatosis; VON RECKLINGHAUSEN DISEASE; NEUROFIBROMATOSIS, TYPE I, SOMATIC. Identifiers: Orphanet 636, MedGen C0027831, MONDO:0018975, OMIM 162200. Disease mechanism: loss of function.

Allele frequency attached by ClinVar (database versions not stated): gnomAD exomes below 0.00001.
gnomAD v4.1: 1 of 1,614,196 alleles (0.000062%); highest among the groups gnomAD compares: Non-Finnish European, 0.000085%; no homozygotes.

Submissions (2):

Ambry Genetics
Classification: Uncertain significance for Cardiovascular phenotype; Hereditary cancer-predisposing syndrome. Last evaluated: 2025-05-17. Review status: criteria provided, single submitter. Criteria: Ambry Variant Classification Scheme 2023. Collection method: clinical testing. Allele origin: germline.

Labcorp Genetics (formerly Invitae), Labcorp
Classification: Uncertain significance for Neurofibromatosis, type 1. Last evaluated: 2021-08-13. Review status: criteria provided, single submitter. Criteria: Invitae Variant Classification Sherloc (09022015). Collection method: clinical testing. Allele origin: germline.
Comment: This sequence change replaces lysine with arginine at codon 326 of the NF1 protein (p.Lys326Arg). The lysine residue is highly conserved and there is a small physicochemical difference between lysine and arginine. This variant is not present in population databases (ExAC no frequency). This variant has not been reported in the literature in individuals affected with NF1-related conditions. Algorithms developed to predict the effect of missense changes on protein structure and function are either unavailable or do not agree on the potential impact of this missense change (SIFT: "Deleterious"; PolyPhen-2: "Probably Damaging"; Align-GVGD: "Class C0"). Algorithms developed to predict the effect of sequence changes on RNA splicing suggest that this variant may create or strengthen a splice site. In summary, the available evidence is currently insufficient to determine the role of this variant in disease. Therefore, it has been classified as a Variant of Uncertain Significance.

NM_001042492.3(NF1):c.977A>G (p.Lys326Arg)

Gene: NF1 (neurofibromin 1; plus strand). Cytogenetic location: 17q11.2.
Variant type: single nucleotide variant.
Coding change: c.977A>G on transcript NM_001042492.3 (MANE Select); coding-DNA position 977, A replaced by G.
Protein change: p.Lys326Arg; replaces lysine 326 with arginine.
Molecular consequence: missense variant.
Genome position (GRCh38, 1-based): chr17:31,200,510, A>G. VCF-style: chr17-31200510-A-G. GRCh37 (hg19) VCF-style: chr17-29527528-A-G.
Other names: c.977A>G, p.Lys326Arg (NM_000267.4, NM_001128147.3); short protein forms K326R.
Identifiers: ClinVar variation 966790 (VCV000966790.4), dbSNP rs2066507912, ClinGen allele CA398996046.
Genomic context (GRCh38, chr17:31,200,510, plus strand): 5'-CTCTTGCTGGCCATGGAGGAAGTAGGCAGCTGACAGAAAGTGCTGCAATTGCCTGTGTCA[A>G]ACTGTGTAAAGCAAGTACTTACATCAATTGGGAAGATAACTCTGTCATTTTCCTACTTGT-3'
Protein context (NP_001035957.1, residues 316-336): LTESAAIACV[Lys326Arg]LCKASTYINW